The following is an entry in ClinVar:

NM_205850.3(SLC24A5):c.413G>A (p.Gly138Asp)

Gene: SLC24A5 (solute carrier family 24 member 5; plus strand). Cytogenetic location: 15q21.1.
Variant type: single nucleotide variant.
Coding change: c.413G>A on transcript NM_205850.3 (MANE Select); coding-DNA position 413, G replaced by A.
Protein change: p.Gly138Asp; replaces glycine 138 with aspartic acid.
Molecular consequence: missense variant.
Genome position (GRCh38, 1-based): chr15:48,134,462, G>A. VCF-style: chr15-48134462-G-A. GRCh37 (hg19) VCF-style: chr15-48426659-G-A.
Other names: short protein forms G138D.
Identifiers: ClinVar variation 1923005 (VCV001923005.7), dbSNP rs992991572, ClinGen allele CA269989071.

ClinVar aggregate classification (germline): Uncertain significance. Review status: criteria provided, multiple submitters, no conflicts (2 of 4 stars). 2 submissions from 2 submitters: Uncertain significance (2). Last evaluated 2025-04-28.

Conditions:
Oculocutaneous albinism type 6 (OCA6). Also called: Albinism, oculocutaneous, type VI. Identifiers: Orphanet 370097, MedGen C3805375, MONDO:0018264, OMIM 113750.

gnomAD v4.1: 1 of 1,613,450 alleles (0.000062%); highest among the groups gnomAD compares: Admixed American, 0.0017%; no homozygotes.

Submissions (2):

Labcorp Genetics (formerly Invitae), Labcorp
Classification: Uncertain significance. Last evaluated: 2025-04-28. Review status: criteria provided, single submitter. Criteria: Invitae Variant Classification Sherloc (09022015). Collection method: clinical testing. Allele origin: germline.
Comment: This sequence change replaces glycine, which is neutral and non-polar, with aspartic acid, which is acidic and polar, at codon 138 of the SLC24A5 protein (p.Gly138Asp). This variant is present in population databases (no rsID available, gnomAD 0.003%). This variant has not been reported in the literature in individuals affected with SLC24A5-related conditions. ClinVar contains an entry for this variant (Variation ID: 1923005). Invitae Evidence Modeling of protein sequence and biophysical properties (such as structural, functional, and spatial information, amino acid conservation, physicochemical variation, residue mobility, and thermodynamic stability) indicates that this missense variant is expected to disrupt SLC24A5 protein function with a positive predictive value of 80%. In summary, the available evidence is currently insufficient to determine the role of this variant in disease. Therefore, it has been classified as a Variant of Uncertain Significance.

Dasa
Classification: Uncertain significance for Oculocutaneous albinism type 6. Last evaluated: 2025-03-29. Review status: criteria provided, single submitter. Criteria: DASA Assertion Criteria. Collection method: clinical testing. Allele origin: germline.
Comment: NM_205850.3(SLC24A5):c.413G>A (p.Gly138Asp) is a missense variant that results in the substitution of glycine with aspartic acid. This variant is rare in population databases. Computational prediction algorithms are consistent with a deleterious effect. The currently available literature and clinical evidence are not sufficient to establish a definitive association between this variant and the reported condition. Therefore, this variant is classified as a variant of uncertain significance.